The following is an entry in ClinVar:

NM_024408.4(NOTCH2):c.5543A>G (p.Asp1848Gly)

Gene: NOTCH2 (notch receptor 2; minus strand). Cytogenetic location: 1p12.
Variant type: single nucleotide variant.
Coding change: c.5543A>G on transcript NM_024408.4 (MANE Select); coding-DNA position 5543, A replaced by G.
Protein change: p.Asp1848Gly; replaces aspartic acid 1848 with glycine.
Molecular consequence: missense variant.
Genome position (GRCh38, 1-based): chr1:119,919,550, T>C on the plus strand (A>G on the coding strand, the complement: NOTCH2 is on the minus strand). VCF-style: chr1-119919550-T-C. GRCh37 (hg19) VCF-style: chr1-120462173-T-C.
Other names: short protein forms D1848G.
Identifiers: ClinVar variation 3679241 (VCV003679241.2).

ClinVar aggregate classification (germline): Uncertain significance (1 of 4 stars; one submission).

Conditions:
Hajdu-Cheney syndrome (HJCYS). Also called: Acroosteolysis dominant type; SERPENTINE FIBULA-POLYCYSTIC KIDNEY SYNDROME; ACROOSTEOLYSIS WITH OSTEOPOROSIS AND CHANGES IN SKULL AND MANDIBLE. Identifiers: Orphanet 955, MedGen C0917715, MONDO:0007057, OMIM 102500.

gnomAD v4.1: 2 of 1,614,160 alleles (0.00012%); highest among the groups gnomAD compares: South Asian, 0.0011%; no homozygotes.

Submission:

Labcorp Genetics (formerly Invitae), Labcorp
Classification: Uncertain significance for Hajdu-Cheney syndrome. Last evaluated: 2024-10-22. Review status: criteria provided, single submitter. Criteria: Invitae Variant Classification Sherloc (09022015). Collection method: clinical testing. Allele origin: germline.
Comment: This sequence change replaces aspartic acid, which is acidic and polar, with glycine, which is neutral and non-polar, at codon 1848 of the NOTCH2 protein (p.Asp1848Gly). This variant is present in population databases (rs750420602, gnomAD 0.003%). This variant has not been reported in the literature in individuals affected with NOTCH2-related conditions. Invitae Evidence Modeling of protein sequence and biophysical properties (such as structural, functional, and spatial information, amino acid conservation, physicochemical variation, residue mobility, and thermodynamic stability) indicates that this missense variant is not expected to disrupt NOTCH2 protein function with a negative predictive value of 80%. In summary, the available evidence is currently insufficient to determine the role of this variant in disease. Therefore, it has been classified as a Variant of Uncertain Significance.